The following is an entry in ClinVar:

ClinVar aggregate classification (germline): Uncertain significance (1 of 4 stars; one submission).

Submission:

Labcorp Genetics (formerly Invitae), Labcorp
Classification: Uncertain significance. Last evaluated: 2022-11-01. Review status: criteria provided, single submitter. Criteria: Invitae Variant Classification Sherloc (09022015). Collection method: clinical testing. Allele origin: germline.
Comment: In summary, the available evidence is currently insufficient to determine the role of this variant in disease. Therefore, it has been classified as a Variant of Uncertain Significance. Advanced modeling of protein sequence and biophysical properties (such as structural, functional, and spatial information, amino acid conservation, physicochemical variation, residue mobility, and thermodynamic stability) performed at Invitae indicates that this missense variant is not expected to disrupt NEUROD1 protein function. This variant has not been reported in the literature in individuals affected with NEUROD1-related conditions. This variant is not present in population databases (gnomAD no frequency). This sequence change replaces serine, which is neutral and polar, with leucine, which is neutral and non-polar, at codon 319 of the NEUROD1 protein (p.Ser319Leu).

NM_002500.5(NEUROD1):c.956C>T (p.Ser319Leu)

Gene: NEUROD1 (neuronal differentiation 1; minus strand). Cytogenetic location: 2q31.3.
Variant type: single nucleotide variant.
Coding change: c.956C>T on transcript NM_002500.5 (MANE Select); coding-DNA position 956, C replaced by T.
Protein change: p.Ser319Leu; replaces serine 319 with leucine.
Molecular consequence: missense variant.
Genome position (GRCh38, 1-based): chr2:181,677,905, G>A on the plus strand (C>T on the coding strand, the complement: NEUROD1 is on the minus strand). VCF-style: chr2-181677905-G-A. GRCh37 (hg19) VCF-style: chr2-182542632-G-A.
Other names: short protein forms S319L.
Identifiers: ClinVar variation 2124977 (VCV002124977.4), dbSNP rs2468608802, ClinGen allele CA349782439.